The following is an entry in ClinVar:

ClinVar aggregate classification (germline): Uncertain significance (1 of 4 stars; one submission).

gnomAD v4.1: 5 of 1,613,826 alleles (0.00031%); highest among the groups gnomAD compares: Non-Finnish European, 0.00042%; no homozygotes.

Submission:

Labcorp Genetics (formerly Invitae), Labcorp
Classification: Uncertain significance. Last evaluated: 2024-03-08. Review status: criteria provided, single submitter. Criteria: Invitae Variant Classification Sherloc (09022015). Collection method: clinical testing. Allele origin: germline.
Comment: This sequence change replaces valine, which is neutral and non-polar, with leucine, which is neutral and non-polar, at codon 837 of the ADCY5 protein (p.Val837Leu). This variant is not present in population databases (gnomAD no frequency). This variant has not been reported in the literature in individuals affected with ADCY5-related conditions. Advanced modeling of protein sequence and biophysical properties (such as structural, functional, and spatial information, amino acid conservation, physicochemical variation, residue mobility, and thermodynamic stability) performed at Invitae indicates that this missense variant is not expected to disrupt ADCY5 protein function with a negative predictive value of 95%. In summary, the available evidence is currently insufficient to determine the role of this variant in disease. Therefore, it has been classified as a Variant of Uncertain Significance.

NM_183357.3(ADCY5):c.2509G>C (p.Val837Leu)

Gene: ADCY5 (adenylate cyclase 5; minus strand). Cytogenetic location: 3q21.1.
Variant type: single nucleotide variant.
Coding change: c.2509G>C on transcript NM_183357.3 (MANE Select); coding-DNA position 2509, G replaced by C.
Protein change: p.Val837Leu; replaces valine 837 with leucine.
Molecular consequence: missense variant.
Genome position (GRCh38, 1-based): chr3:123,304,117, C>G on the plus strand (G>C on the coding strand, the complement: ADCY5 is on the minus strand). VCF-style: chr3-123304117-C-G. GRCh37 (hg19) VCF-style: chr3-123022964-C-G.
Other names: c.1459G>C, p.Val487Leu (NM_001199642.1); c.2509G>C, p.Val837Leu (NM_001378259.1); short protein forms V837L, V487L.
Identifiers: ClinVar variation 3710178 (VCV003710178.2).
Genomic context (GRCh38, chr3:123,304,117, plus strand): 5'-AGCCACCCACCATGTTGACAAAAGCCGCCAGGAACACCAGGGTGATGGTGAACACCCCAA[C>G]CAGGGTGCTGTTCATCTTGGACCGCACGATCTTCCTGGAGAGGGTCTGCAGTGGGGAGGG-3'
Protein context (NP_899200.1, residues 827-847): IVRSKMNSTL[Val837Leu]GVFTITLVFL